The following is an entry in ClinVar:

ClinVar aggregate classification (germline): Uncertain significance (1 of 4 stars; one submission).

Conditions:
Lymphoma, non-Hodgkin, familial. Identifiers: MedGen C4721532, MONDO:0011508, OMIM 605027.

Submission:

Centre for Mendelian Genomics, University Medical Centre Ljubljana
Classification: Uncertain significance for Lymphoma, non-Hodgkin, familial. Last evaluated: 2019-04-11. Review status: criteria provided, single submitter. Criteria: ACMG Guidelines, 2015. Collection method: clinical testing. Allele origin: unknown. Affected: yes.
Comment: This variant was classified as: Uncertain significance. The available evidence on this variant's pathogenicity is insufficient or conflicting. The following ACMG criteria were applied in classifying this variant: PM2,PP3.

NM_001083116.3(PRF1):c.1585C>A (p.Leu529Met)

Gene: PRF1 (perforin 1; minus strand). Cytogenetic location: 10q22.1.
Variant type: single nucleotide variant.
Coding change: c.1585C>A on transcript NM_001083116.3 (MANE Select); coding-DNA position 1585, C replaced by A.
Protein change: p.Leu529Met; replaces leucine 529 with methionine.
Molecular consequence: missense variant.
Genome position (GRCh38, 1-based): chr10:70,598,136, G>T on the plus strand (C>A on the coding strand, the complement: PRF1 is on the minus strand). VCF-style: chr10-70598136-G-T. GRCh37 (hg19) VCF-style: chr10-72357892-G-T.
Other names: c.1585C>A, p.Leu529Met (NM_005041.6); short protein forms L529M.
Identifiers: ClinVar variation 931544 (VCV000931544.3), dbSNP rs1848154029, ClinGen allele CA376954911.